The following is an entry in ClinVar:

NM_000521.4(HEXB):c.558+1G>C

Gene: HEXB (hexosaminidase subunit beta; plus strand). Cytogenetic location: 5q13.3.
Variant type: single nucleotide variant.
Coding change: c.558+1G>C on transcript NM_000521.4 (MANE Select); the canonical splice donor site of the intron after coding-DNA position 558, G replaced by C.
Molecular consequence: splice donor variant.
Genome position (GRCh38, 1-based): chr5:74,696,740, G>C. VCF-style: chr5-74696740-G-C. GRCh37 (hg19) VCF-style: chr5-73992565-G-C.
Other names: c.-118+1G>C (NM_001292004.2).
Identifiers: ClinVar variation 853457 (VCV000853457.10), dbSNP rs1198764997, ClinGen allele CA360063766.

ClinVar aggregate classification (germline): Pathogenic/Likely pathogenic. Review status: criteria provided, multiple submitters, no conflicts (2 of 4 stars). 3 submissions from 3 submitters: Pathogenic (1); Likely pathogenic (2). Last evaluated 2021-11-23.

Conditions:
Sandhoff disease. Also called: GM2-GANGLIOSIDOSIS, TYPE II; HEXOSAMINIDASES A AND B DEFICIENCY; Beta-hexosaminidase-beta-subunit deficiency; GM2 gangliosidosis, type 2; Total hexosaminidase deficiency; Sandhoff-Jatzkewitz-Pilz disease. Identifiers: Orphanet 796, MedGen C0036161, MONDO:0010006, OMIM 268800.

Allele frequency attached by ClinVar (database versions not stated): TOPMed below 0.00001.

Submissions (3):

Women's Health and Genetics/Laboratory Corporation of America, LabCorp
Classification: Likely pathogenic for Sandhoff disease. Last evaluated: 2021-11-23. Review status: criteria provided, single submitter. Criteria: LabCorp Variant Classification Summary - May 2015. Collection method: clinical testing. Allele origin: germline.
Comment: Variant summary: HEXB c.558+1G>C is located in a canonical splice-site and is predicted to affect mRNA splicing resulting in a significantly altered protein due to either exon skipping, shortening, or inclusion of intronic material. Several computational tools predict a significant impact on normal splicing: Three predict the variant abolishes a canonical 5 prime splicing donor site. However, these predictions have yet to be confirmed by functional studies. Splice site variants downstream of this position are associated with Sandhoff disease in HGMD database. The variant was absent in 245680 control chromosomes (gnomAD). To our knowledge, no occurrence of c.558+1G>C in individuals affected with Sandhoff Disease and no experimental evidence demonstrating its impact on protein function have been reported. Two clinical diagnostic laboratories have submitted clinical-significance assessments for this variant to ClinVar after 2014 and classified the variant as pathogenic (n=1) and likely pathogenic (n=1). Based on the evidence outlined above, the variant was classified as likely pathogenic.

Baylor Genetics
Classification: Pathogenic for Sandhoff disease. Last evaluated: 2019-08-22. Review status: criteria provided, single submitter. Criteria: ACMG Guidelines, 2015. Collection method: clinical testing. Allele origin: unknown. Affected: yes.
Comment: This variant was determined to be pathogenic according to ACMG Guidelines, 2015 [PMID:25741868].

Labcorp Genetics (formerly Invitae), Labcorp
Classification: Likely pathogenic for Sandhoff disease. Last evaluated: 2019-01-23. Review status: criteria provided, single submitter. Criteria: Invitae Variant Classification Sherloc (09022015). Collection method: clinical testing. Allele origin: germline.
Comment: This variant has not been reported in the literature in individuals with HEXB-related conditions. In summary, the currently available evidence indicates that the variant is pathogenic, but additional data are needed to prove that conclusively. Therefore, this variant has been classified as Likely Pathogenic. Donor and acceptor splice site variants typically lead to a loss of protein function (PMID: 16199547), and loss-of-function variants in HEXB are known to be pathogenic (PMID: 7550345, 18758829). Algorithms developed to predict the effect of sequence changes on RNA splicing suggest that this variant may disrupt the consensus splice site, but this prediction has not been confirmed by published transcriptional studies. This variant is not present in population databases (ExAC no frequency). This sequence change affects a donor splice site in intron 4 of the HEXB gene. It is expected to disrupt RNA splicing and likely results in an absent or disrupted protein product.

Literature cited by the submitters: PubMed 16199547 (cited by Labcorp Genetics (formerly Invitae), Labcorp); PubMed 7550345 (cited by Labcorp Genetics (formerly Invitae), Labcorp); PubMed 18758829 (cited by Labcorp Genetics (formerly Invitae), Labcorp).